The following is an entry in ClinVar:

NM_001038603.3(MARVELD2):c.1498C>T (p.Arg500Ter)

Gene: MARVELD2 (MARVEL domain containing 2; plus strand). Cytogenetic location: 5q13.2.
Variant type: single nucleotide variant.
Coding change: c.1498C>T on transcript NM_001038603.3 (MANE Select); coding-DNA position 1498, C replaced by T.
Protein change: p.Arg500Ter; replaces arginine 500 with a stop codon.
Molecular consequence: nonsense.
Genome position (GRCh38, 1-based): chr5:69,433,088, C>T. VCF-style: chr5-69433088-C-T. GRCh37 (hg19) VCF-style: chr5-68728915-C-T.
Other names: c.1462C>T, p.Arg488Ter (NM_001244734.2); short protein forms R500*, R488*.
Identifiers: ClinVar variation 1198 (VCV000001198.86), dbSNP rs118203957, ClinGen allele CA114831.
Genomic context (GRCh38, chr5:69,433,088, plus strand): 5'-CTGAGGAAGTTTGATGAGCTGGATGCAGTGATGAGCAGATTGCCACATCATTCGGAAAGC[C>T]GACAGGTTAGTATGTGCAGCTGCCTAGGAGGAGCACTGAAATCTAGAGGATGAATAAAAT-3'

ClinVar aggregate classification (germline): Pathogenic/Likely pathogenic. Review status: criteria provided, multiple submitters, no conflicts (2 of 4 stars). 12 submissions from 12 submitters: Pathogenic (10); Likely pathogenic (1). 1 of the submissions does not count toward it. Last evaluated 2026-04-23.

Conditions:
MARVELD2-related disorder. Also called: MARVELD2-related condition.
MARVELD2-related disorders.
Monogenic hearing loss.
Rare genetic deafness. Identifiers: Orphanet 96210, MedGen C5680250.
Autosomal recessive nonsyndromic hearing loss 49. Also called: Deafness, neurosensory, autosomal recessive 49. Identifiers: Orphanet 90636, MedGen C1857811, MONDO:0012420, OMIM 610153.
Ear malformation. Also called: CUP EAR; Abnormality of the ear. Identifiers: MedGen C0266589, MONDO:0007500, OMIM 128600, HP:0000598.

Allele frequency attached by ClinVar (database versions not stated): gnomAD 0.00009; TOPMed 0.00012.
gnomAD v4.1: 436 of 1,612,640 alleles (0.027%); highest among the groups gnomAD compares: Non-Finnish European, 0.036%; no homozygotes.

Submissions (12):

Genetics Laboratory, Great Ormond Street Hospital NHS Foundation Trust, North Thames Genomic Laboratory Hub
Classification: Pathogenic for Monogenic hearing loss. Last evaluated: 2026-04-23. Review status: criteria provided, single submitter. Criteria: ACGS Best Practice Guidelines for Variant Classification in Rare Disease 2024 v1.2. Collection method: clinical testing. Allele origin: germline. Affected: yes.
Comment: PM2_supporting, PVS1_strong, PS3_strong, PP1_strong, PM3_moderate

PreventionGenetics, part of Exact Sciences
Classification: Pathogenic for MARVELD2-related condition. Last evaluated: 2025-12-10. Review status: criteria provided, single submitter. Criteria: ACMG Guidelines, 2015. Collection method: clinical testing. Allele origin: germline.
Comment: The MARVELD2 c.1498C>T variant is predicted to result in premature protein termination (p.Arg500*). This variant was reported in individuals with autosomal recessive hearing loss (see, for example, Riazuddin et al. 2006. PubMed ID: 17186462; Bademci et al. 2015. PubMed ID: 26226137; Bazazzadegan et al. 2019. PubMed ID: 31850270; supplementary data, Abolhassani et al. 2024. PubMed ID: 38374194). This variant is reported in 0.019% of alleles in individuals of European (Non-Finnish) descent in gnomAD. Nonsense variants in MARVELD2 are expected to be pathogenic. This variant is interpreted as pathogenic.

CeGaT Center for Human Genetics Tuebingen
Classification: Pathogenic. Last evaluated: 2025-06-01. Review status: criteria provided, single submitter. Criteria: CeGaT Center For Human Genetics Tuebingen Variant Classification Criteria Version 2. Collection method: clinical testing. Allele origin: germline. Affected: yes. Observed: 1 variant allele.
Comment: MARVELD2: PVS1, PM2, PM3

GeneDx
Classification: Pathogenic. Last evaluated: 2025-05-15. Review status: criteria provided, single submitter. Criteria: GeneDx Variant Classification Process June 2021. Collection method: clinical testing. Allele origin: germline. Affected: yes.
Comment: Published functional studies demonstrate that this variant results in disrupted MARVELD2 ZO-1 binding capacity, mislocalization of the protein from the tricellular junctions, and non-specific targeting of the mutant protein to basolateral domains of transfected cells (PMID: 23979167, 25666562); Nonsense variant in the C-terminus predicted to result in protein truncation, and other loss-of-function variants have been reported downstream in the Human Gene Mutation Database (HGMD); This variant is associated with the following publications: (PMID: 17186462, 25666562, 25652404, 25525159, 28705832, 29752989, 30406641, 31850270, 31589614, 37838930, 23979167, 26226137)

Blueprint Genetics
Classification: Pathogenic for MARVELD2-related disorders. Last evaluated: 2024-07-01. Review status: criteria provided, single submitter. Criteria: ACMG Guidelines, 2015. Collection method: clinical testing. Allele origin: germline. Affected: yes. Observed: 5 variant alleles.

Revvity Omics, Revvity
Classification: Pathogenic for Autosomal recessive nonsyndromic hearing loss 49. Last evaluated: 2023-07-29. Review status: criteria provided, single submitter. Criteria: ACMG Guidelines, 2015. Collection method: clinical testing. Allele origin: germline.

Kariminejad - Najmabadi Pathology & Genetics Center
Classification: Pathogenic for Ear malformation. Last evaluated: 2021-07-10. Review status: criteria provided, single submitter. Criteria: ACMG Guidelines, 2015. Collection method: clinical testing. Allele origin: germline. Affected: yes.

Victorian Clinical Genetics Services, Murdoch Childrens Research Institute
Classification: Pathogenic for Autosomal recessive nonsyndromic hearing loss 49. Last evaluated: 2021-05-06. Review status: criteria provided, single submitter. Criteria: ACMG Guidelines, 2015. Collection method: clinical testing. Allele origin: germline. Inheritance: Autosomal recessive inheritance. Affected: yes.
Comment: Based on the classification scheme VCGS_Germline_v1.3.4, this variant is classified as Pathogenic. Following criteria are met: 0102 - Loss of function is a known mechanism of disease in this gene and is associated with Deafness 49 (MIM#610153). (I) 0106 - This gene is associated with autosomal recessive disease. (I) 0201 - Variant is predicted to cause nonsense-mediated decay (NMD) and loss of protein (premature termination codon is located at least 54 nucleotides upstream of the final exon-exon junction). (SP) 0252 - This variant is homozygous. (I) 0304 - Variant is present in gnomAD (v2) <0.01 for a recessive condition (26 heterozygotes, 0 homozygotes). (SP) 0701 - Many NMD predicted variants comparable to the one identified in this case have very strong previous evidence for pathogenicity (ClinVar, PMID: 23767834, 33597575). (SP) 0801 - This variant has strong previous evidence of pathogenicity in unrelated individuals. This variant has been previously reported as pathogenic in individuals with hearling loss (ClinVar, PMID: 17186462, 31850270) (SP) 1208 - Inheritance information for this variant is not currently available in this individual. (I) Legend: (SP) - Supporting pathogenic, (I) - Information, (SB) - Supporting benign

Illumina Laboratory Services, Illumina
Classification: Pathogenic for Autosomal recessive nonsyndromic hearing loss 49. Last evaluated: 2018-11-30. Review status: criteria provided, single submitter. Criteria: ICSL Variant Classification Criteria 09 May 2019. Collection method: clinical testing. Allele origin: germline.
Comment: The MARVELD2 c.1498C>T (p.Arg500Ter) variant is a stop-gained variant that is predicted to result in a premature termination of the protein. The p.Arg500Ter variant is reported in a homozygous state in eight individuals from one family with nonsyndromic hearing loss (Riazuddin et al. 2006). The p.Arg500Ter variant was shown to segregate with the disease and was absent from 443 normal hearing subjects matched for ethnicity. The p.Arg500Ter variant is reported at a frequency of 0.00024 in the European (non-Finnish) population of the Exome Aggregation Consortium. Functional studies showed that the p.Arg500Ter variant disrupts the binding of the occludin domain to the scaffolding protein ZO-1 (Riazuddin et al. 2006). Nayak et al. (2013) generated knockin mice that were homozygous for the p.Arg500Ter variant and demonstrated ultrastructural changes in the tricellular junctions in all sensory and nonsensory epithelia of the inner ear organs and cochlear hair cell loss. Vax-Drago et al. (2015) demonstrated that, in a cell line derived from an individual who was homozygous for the p.Arg500Ter variant, total cellular mRNA levels were reduced compared to wild type, especially in the cytoplasmic fraction. Based on the evidence and the potential impact of stop-gained variants, the p.Arg500Ter variant is classified as pathogenic for autosomal recessive nonsyndromic hearing loss. This variant was observed by ICSL as part of a predisposition screen in an ostensibly healthy population.

Genomic Research Center, Shahid Beheshti University of Medical Sciences
Classification: Likely pathogenic for Deafness, autosomal recessive 49. Last evaluated: 2018-08-07. Review status: criteria provided, single submitter. Criteria: ACMG Guidelines, 2015. Collection method: clinical testing. Allele origin: inherited. Observed: 1 variant allele.

Laboratory for Molecular Medicine, Mass General Brigham Personalized Medicine
Classification: Pathogenic for Rare genetic deafness. Last evaluated: 2014-06-19. Review status: criteria provided, single submitter. Criteria: LMM Criteria. Collection method: clinical testing. Allele origin: germline. Inheritance: Autosomal recessive inheritance. Observed: 2 variant alleles.
Comment: The p.Arg500X variant in MARVELD2 has been previously reported in one individual with hearing loss and segregated with disease in 7 affected relatives from one family (Riazuddin 2006). It has also been identified in 0.018% (23/126596) of E uropean chromosomes by gnomAD. This nonsense variant creates a premature termination codon at position 500 and is predicted t o lead to a truncated or absent protein. Functional and animal studies support t he pathogenicity of the p.Arg500X variant (Riazuddin 2006, Nayak 2013). In summa ry, this variant meets criteria to be classified as pathogenic for autosomal rec essive sensorineural hearing loss. ACMG/AMP Criteria applied: PM3_Supporting, P P1_Strong, PVS1, PS3.

OMIM
Classification: Pathogenic for DEAFNESS, AUTOSOMAL RECESSIVE 49. Last evaluated: 2006-12-01. Review status: no assertion criteria provided. Collection method: literature only. Allele origin: germline. Not counted in ClinVar's aggregate classification.

Literature cited by the submitters: PubMed 17186462 (cited by 4 submitters); PubMed 23767834 (cited by Victorian Clinical Genetics Services, Murdoch Childrens Research Institute); PubMed 31850270 (cited by Victorian Clinical Genetics Services, Murdoch Childrens Research Institute); PubMed 33597575 (cited by Victorian Clinical Genetics Services, Murdoch Childrens Research Institute); PubMed 25652404 (cited by Illumina Laboratory Services, Illumina); PubMed 23979167 (cited by Illumina Laboratory Services, Illumina and Laboratory for Molecular Medicine, Mass General Brigham Personalized Medicine).